The following is an entry in ClinVar:

ClinVar aggregate classification (germline): Uncertain significance (1 of 4 stars; one submission).

Allele frequency attached by ClinVar (database versions not stated): gnomAD exomes below 0.00001 and 0.00002; gnomAD 0.00001; TOPMed 0.00002.
gnomAD v4.1: 23 of 1,612,572 alleles (0.0014%); highest among the groups gnomAD compares: Non-Finnish European, 0.0018%; no homozygotes.

Submission:

Labcorp Genetics (formerly Invitae), Labcorp
Classification: Uncertain significance. Last evaluated: 2023-12-11. Review status: criteria provided, single submitter. Criteria: Invitae Variant Classification Sherloc (09022015). Collection method: clinical testing. Allele origin: germline.
Comment: This sequence change replaces valine, which is neutral and non-polar, with isoleucine, which is neutral and non-polar, at codon 457 of the SKIV2L protein (p.Val457Ile). This variant is present in population databases (no rsID available, gnomAD 0.003%). This variant has not been reported in the literature in individuals affected with SKIV2L-related conditions. ClinVar contains an entry for this variant (Variation ID: 1036344). An algorithm developed to predict the effect of missense changes on protein structure and function (PolyPhen-2) suggests that this variant is likely to be disruptive. In summary, the available evidence is currently insufficient to determine the role of this variant in disease. Therefore, it has been classified as a Variant of Uncertain Significance.

NM_006929.5(SKIC2):c.1369G>A (p.Val457Ile)

Gene: SKIC2 (SKI2 subunit of superkiller complex; plus strand). Cytogenetic location: 6p21.33.
Variant type: single nucleotide variant.
Coding change: c.1369G>A on transcript NM_006929.5 (MANE Select); coding-DNA position 1369, G replaced by A.
Protein change: p.Val457Ile; replaces valine 457 with isoleucine.
Molecular consequence: missense variant.
Genome position (GRCh38, 1-based): chr6:31,963,057, G>A. VCF-style: chr6-31963057-G-A. GRCh37 (hg19) VCF-style: chr6-31930834-G-A.
Other names: short protein forms V457I.
Identifiers: ClinVar variation 1036344 (VCV001036344.7), dbSNP rs995239595, ClinGen allele CA136908428.